The following is an entry in ClinVar:

NM_000037.4(ANK1):c.1305+1G>A

Gene: ANK1 (ankyrin 1; minus strand). Cytogenetic location: 8p11.21.
Variant type: single nucleotide variant.
Coding change: c.1305+1G>A on transcript NM_000037.4 (MANE Select); the canonical splice donor site of the intron after coding-DNA position 1305, G replaced by A.
Molecular consequence: splice donor variant.
Genome position (GRCh38, 1-based): chr8:41,717,603, C>T on the plus strand (G>A on the coding strand, the complement: ANK1 is on the minus strand). VCF-style: chr8-41717603-C-T. GRCh37 (hg19) VCF-style: chr8-41575121-C-T.
Other names: c.1404+1G>A (NM_001142446.2); c.1305+1G>A (NM_020477.3, NM_020475.3, NM_020476.3).
Identifiers: ClinVar variation 1676947 (VCV001676947.2), dbSNP rs2486928338, ClinGen allele CA371039733.

ClinVar aggregate classification (germline): Pathogenic. Review status: criteria provided, multiple submitters, no conflicts (2 of 4 stars). 2 submissions from 2 submitters: Pathogenic (2). Last evaluated 2024-04-26.

Conditions:
Hereditary spherocytosis type 1. Also called: Spherocytosis type 1; ANK1-Related Spherocytosis. Identifiers: Orphanet 822, MedGen C2674218, MONDO:0008447, OMIM 182900.

Submissions (2):

ARUP Laboratories, Molecular Genetics and Genomics, ARUP Laboratories
Classification: Pathogenic for Hereditary spherocytosis type 1. Last evaluated: 2024-04-26. Review status: criteria provided, single submitter. Criteria: ARUP Molecular Germline Variant Investigation Process 2024. Collection method: clinical testing. Allele origin: germline.
Comment: The ANK1 c.1305+1G>A variant is reported in the literature in one individual affected with hereditary spherocytosis (Wang 2023). This variant is also absent from the Genome Aggregation Database, indicating it is not a common polymorphism. This variant disrupts the canonical splice donor site of intron 12, which is likely to negatively impact gene function. Based on available information, this variant is considered to be pathogenic. References: Wang WJ et al. Identification of variants in 94 Chinese patients with hereditary spherocytosis by next-generation sequencing. Clin Genet. 2023 Jan. PMID: 36203343.

Jiangsu Institute of Hematology, the First Affiliated Hospital of Soochow University
Classification: Pathogenic for Hereditary spherocytosis type 1. Last evaluated: 2022-03-01. Review status: criteria provided, single submitter. Criteria: ACMG Guidelines, 2015. Collection method: research. Allele origin: de novo. Affected: yes.